The following is an entry in ClinVar:

NM_003239.5(TGFB3):c.927-16A>G

Gene: TGFB3 (transforming growth factor beta 3; minus strand). Cytogenetic location: 14q24.3.
Variant type: single nucleotide variant.
Coding change: c.927-16A>G on transcript NM_003239.5 (MANE Select); 16 bases into the intron before coding-DNA position 927, A replaced by G.
Molecular consequence: intron variant.
Genome position (GRCh38, 1-based): chr14:75,961,092, T>C on the plus strand (A>G on the coding strand, the complement: TGFB3 is on the minus strand). VCF-style: chr14-75961092-T-C. GRCh37 (hg19) VCF-style: chr14-76427435-T-C.
Other names: c.927-16A>G (NM_001329939.2).
Identifiers: ClinVar variation 3628269 (VCV003628269.2).

ClinVar aggregate classification (germline): Uncertain significance (1 of 4 stars; one submission).

Conditions:
Rienhoff syndrome. Also called: LOEYS-DIETZ SYNDROME 5. Identifiers: MedGen C3810012, MONDO:0014262, OMIM 615582.

Submission:

Labcorp Genetics (formerly Invitae), Labcorp
Classification: Uncertain significance for Rienhoff syndrome. Last evaluated: 2024-09-02. Review status: criteria provided, single submitter. Criteria: Invitae Variant Classification Sherloc (09022015). Collection method: clinical testing. Allele origin: germline.
Comment: This sequence change falls in intron 5 of the TGFB3 gene. It does not directly change the encoded amino acid sequence of the TGFB3 protein. This variant is not present in population databases (gnomAD no frequency). This variant has not been reported in the literature in individuals affected with TGFB3-related conditions. Algorithms developed to predict the effect of sequence changes on RNA splicing suggest that this variant may disrupt the consensus splice site. In summary, the available evidence is currently insufficient to determine the role of this variant in disease. Therefore, it has been classified as a Variant of Uncertain Significance.